The following is an entry in ClinVar:

ClinVar aggregate classification (germline): Pathogenic (1 of 4 stars; one submission).

Conditions:
Arrhythmogenic right ventricular dysplasia 8 (ARVD8). Also called: Arrhythmogenic Right Ventricular Dysplasia/Cardiomyopathy 8; ARRHYTHMOGENIC RIGHT VENTRICULAR DYSPLASIA, FAMILIAL, 8; ARRHYTHMOGENIC RIGHT VENTRICULAR CARDIOMYOPATHY 8. Identifiers: MedGen C1843896, MONDO:0011831, OMIM 607450.
Arrhythmogenic cardiomyopathy with wooly hair and keratoderma. Also called: PALMOPLANTAR KERATODERMA WITH LEFT VENTRICULAR CARDIOMYOPATHY AND WOOLLY HAIR; Carvajal syndrome; Dilated cardiomyopathy with woolly hair and keratoderma; Arrhythmogenic cardiomyopathy with woolly hair and keratoderma. Identifiers: Orphanet 65282, MedGen C1854063, MONDO:0011581, OMIM 605676.

Submission:

Labcorp Genetics (formerly Invitae), Labcorp
Classification: Pathogenic for Arrhythmogenic cardiomyopathy with wooly hair and keratoderma; Arrhythmogenic right ventricular dysplasia 8. Last evaluated: 2025-05-19. Review status: criteria provided, single submitter. Criteria: Invitae Variant Classification Sherloc (09022015). Collection method: clinical testing. Allele origin: germline.
Comment: This sequence change creates a premature translational stop signal (p.Tyr403*) in the DSP gene. It is expected to result in an absent or disrupted protein product. Loss-of-function variants in DSP are known to be pathogenic (PMID: 20716751, 24503780, 25227139). This variant is not present in population databases (gnomAD no frequency). This variant has not been reported in the literature in individuals affected with DSP-related conditions. ClinVar contains an entry for this variant (Variation ID: 2938568). For these reasons, this variant has been classified as Pathogenic.

Literature cited by the submitters: PubMed 20716751; PubMed 24503780; PubMed 25227139.

NM_004415.4(DSP):c.1209C>G (p.Tyr403Ter)

Gene: DSP (desmoplakin; plus strand). Cytogenetic location: 6p24.3.
Variant type: single nucleotide variant.
Coding change: c.1209C>G on transcript NM_004415.4 (MANE Select); coding-DNA position 1209, C replaced by G.
Protein change: p.Tyr403Ter; replaces tyrosine 403 with a stop codon.
Molecular consequence: nonsense.
Genome position (GRCh38, 1-based): chr6:7,567,849, C>G. VCF-style: chr6-7567849-C-G. GRCh37 (hg19) VCF-style: chr6-7568082-C-G.
Other names: c.1209C>G, p.Tyr403Ter (NM_001008844.3, NM_001319034.2, NM_001406591.1); short protein forms Y403*.
Identifiers: ClinVar variation 2938568 (VCV002938568.3), dbSNP rs2113673248, ClinGen allele CA362676140.